The following is an entry in ClinVar:

NM_000377.3(WAS):c.194C>A (p.Thr65Asn)

Gene: WAS (WASP actin nucleation promoting factor; plus strand). Cytogenetic location: Xp11.23.
Variant type: single nucleotide variant.
Coding change: c.194C>A on transcript NM_000377.3 (MANE Select); coding-DNA position 194, C replaced by A.
Protein change: p.Thr65Asn; replaces threonine 65 with asparagine.
Molecular consequence: missense variant.
Genome position (GRCh38, 1-based): chrX:48,684,344, C>A. VCF-style: chrX-48684344-C-A. GRCh37 (hg19) VCF-style: chrX-48542733-C-A.
Other names: short protein forms T65N.
Identifiers: ClinVar variation 2948778 (VCV002948778.3), dbSNP rs797044478, ClinGen allele CA412866379.

ClinVar aggregate classification (germline): Uncertain significance (1 of 4 stars; one submission).

Conditions:
Thrombocytopenia 1. Also called: THROMBOCYTOPENIA, X-LINKED, 1; X-Linked Thrombocytopenia (XLT); X-linked thrombocytopenia with normal platelets. Identifiers: Orphanet 268322, Orphanet 852, MedGen C1839163, MONDO:0010743, OMIM 313900.
Wiskott-Aldrich syndrome (WAS). Also called: ALDRICH SYNDROME; IMMUNODEFICIENCY 2; WISKOTT-ALDRICH SYNDROME 1; Wiskott-aldrich syndrome, somatic. Identifiers: Orphanet 906, MedGen C0043194, MONDO:0010518, OMIM 301000.
X-linked severe congenital neutropenia (SCNX). Identifiers: Orphanet 86788, MedGen C1845987, MONDO:0010294, OMIM 300299.

Submission:

Labcorp Genetics (formerly Invitae), Labcorp
Classification: Uncertain significance for Wiskott-Aldrich syndrome; X-linked severe congenital neutropenia; Thrombocytopenia 1. Last evaluated: 2024-01-15. Review status: criteria provided, single submitter. Criteria: Invitae Variant Classification Sherloc (09022015). Collection method: clinical testing. Allele origin: germline.
Comment: This sequence change replaces threonine, which is neutral and polar, with asparagine, which is neutral and polar, at codon 65 of the WAS protein (p.Thr65Asn). This variant is not present in population databases (gnomAD no frequency). This variant has not been reported in the literature in individuals affected with WAS-related conditions. Advanced modeling of protein sequence and biophysical properties (such as structural, functional, and spatial information, amino acid conservation, physicochemical variation, residue mobility, and thermodynamic stability) performed at Invitae indicates that this missense variant is not expected to disrupt WAS protein function with a negative predictive value of 80%. In summary, the available evidence is currently insufficient to determine the role of this variant in disease. Therefore, it has been classified as a Variant of Uncertain Significance.